The following is an entry in ClinVar:

ClinVar aggregate classification (germline): Benign (0 of 4 stars; one submission).

Conditions:
ADAM10-related disorder. Also called: ADAM10-related condition.

Allele frequency attached by ClinVar (database versions not stated): gnomAD exomes 0.00012; ExAC 0.00036; gnomAD 0.00095; 1000 Genomes Project 0.00100; ESP Exome Variant Server 0.00100; 1000 Genomes Project 30x 0.00109; TOPMed 0.00118.
gnomAD v4.1: 331 of 1,613,050 alleles (0.021%); highest among the groups gnomAD compares: African/African-American, 0.39%; no homozygotes.

Submission:

PreventionGenetics, part of Exact Sciences
Classification: Benign for ADAM10-related condition. Last evaluated: 2020-01-21. Review status: no assertion criteria provided. Collection method: clinical testing. Allele origin: germline.
Comment: This variant is classified as benign based on ACMG/AMP sequence variant interpretation guidelines (Richards et al. 2015 PMID: 25741868, with internal and published modifications).

NM_001110.4(ADAM10):c.1013-8T>C

Gene: ADAM10 (ADAM metallopeptidase domain 10; minus strand). Cytogenetic location: 15q21.3.
Variant type: single nucleotide variant.
Coding change: c.1013-8T>C on transcript NM_001110.4 (MANE Select); 8 bases into the intron before coding-DNA position 1013, T replaced by C.
Molecular consequence: intron variant.
Genome position (GRCh38, 1-based): chr15:58,633,367, A>G on the plus strand (T>C on the coding strand, the complement: ADAM10 is on the minus strand). VCF-style: chr15-58633367-A-G. GRCh37 (hg19) VCF-style: chr15-58925566-A-G.
Other names: c.920-8T>C (NM_001320570.2).
Identifiers: ClinVar variation 3050937 (VCV003050937.2), dbSNP rs183295010, ClinGen allele CA7585567.